The following is an entry in ClinVar:

ClinVar aggregate classification (germline): Likely benign. Review status: criteria provided, multiple submitters, no conflicts (2 of 4 stars). 2 submissions from 2 submitters: Likely benign (2). Last evaluated 2026-07-29.

Conditions:
Cohen syndrome (COH1). Also called: Cutis verticis gyrata, retinitis pigmentosa, and sensorineural deafness; PEPPER SYNDROME. Identifiers: Orphanet 193, MedGen C0265223, MONDO:0008999, OMIM 216550.
VPS13B-related disorder. Also called: VPS13B-related condition.

Allele frequency attached by ClinVar (database versions not stated): gnomAD 0.00001; gnomAD exomes 0.00001; TOPMed 0.00001.
gnomAD v4.1: 8 of 1,613,908 alleles (0.0005%); highest among the groups gnomAD compares: Non-Finnish European, 0.00068%; no homozygotes.

Submissions (2):

PreventionGenetics, part of Exact Sciences
Classification: Likely benign for VPS13B-related condition. Last evaluated: 2026-07-29. Review status: criteria provided, single submitter. Criteria: ACMG Guidelines, 2015. Collection method: clinical testing. Allele origin: germline.
Comment: This variant is classified as likely benign based on ACMG/AMP sequence variant interpretation guidelines (Richards et al. 2015 PMID: 25741868, with internal and published modifications).

Labcorp Genetics (formerly Invitae), Labcorp
Classification: Likely benign for Cohen syndrome. Last evaluated: 2025-04-11. Review status: criteria provided, single submitter. Criteria: Invitae Variant Classification Sherloc (09022015). Collection method: clinical testing. Allele origin: germline.

NM_152564.5(VPS13B):c.3051C>T (p.Ala1017=)

Gene: VPS13B (vacuolar protein sorting 13 homolog B; plus strand). Cytogenetic location: 8q22.2.
Variant type: single nucleotide variant.
Coding change: c.3051C>T on transcript NM_152564.5 (MANE Select); coding-DNA position 3051, C replaced by T.
Protein change: p.Ala1017=; no amino-acid change (alanine 1017 retained).
Molecular consequence: synonymous variant.
Genome position (GRCh38, 1-based): chr8:99,391,673, C>T. VCF-style: chr8-99391673-C-T. GRCh37 (hg19) VCF-style: chr8-100403901-C-T.
Other names: c.3051C>T (NM_152564.4); c.3051C>T, p.Ala1017= (NM_017890.5).
Identifiers: ClinVar variation 1102927 (VCV001102927.10), dbSNP rs1296198571, ClinGen allele CA462428492.